The following is an entry in ClinVar:

ClinVar aggregate classification (germline): Conflicting classifications of pathogenicity. Review status: criteria provided, conflicting classifications (1 of 4 stars). 6 submissions from 6 submitters: Uncertain significance (1); Benign (1); Likely benign (3). 1 of the submissions does not count toward it. Last evaluated 2026-02-04.

Conditions:
KMT2D-related disorder. Also called: KMT2D-Related Disorders.
Kabuki syndrome. Also called: Kabuki make-up syndrome; NIIKAWA-KUROKI SYNDROME. Identifiers: Orphanet 2322, MedGen C0796004, MONDO:0016512.

Allele frequency attached by ClinVar (database versions not stated): ExAC 0.00006; gnomAD exomes 0.00007; TOPMed 0.00008; gnomAD 0.00012; 1000 Genomes Project 30x 0.00016; 1000 Genomes Project 0.00020.
gnomAD v4.1: 175 of 1,579,506 alleles (0.011%); highest among the groups gnomAD compares: South Asian, 0.014%; no homozygotes.

Submissions (6):

Labcorp Genetics (formerly Invitae), Labcorp
Classification: Benign for Kabuki syndrome. Last evaluated: 2026-02-04. Review status: criteria provided, single submitter. Criteria: Invitae Variant Classification Sherloc (09022015). Collection method: clinical testing. Allele origin: germline.

Blueprint Genetics
Classification: Likely benign. Last evaluated: 2024-10-15. Review status: criteria provided, single submitter. Criteria: ACMG Guidelines, 2015. Collection method: clinical testing. Allele origin: germline.

CeGaT Center for Human Genetics Tuebingen
Classification: Likely benign. Last evaluated: 2024-09-01. Review status: criteria provided, single submitter. Criteria: CeGaT Center For Human Genetics Tuebingen Variant Classification Criteria Version 2. Collection method: clinical testing. Allele origin: germline. Affected: yes. Observed: 2 variant alleles.
Comment: KMT2D: PP2, BS1

GeneDx
Classification: Likely benign. Last evaluated: 2021-08-13. Review status: criteria provided, single submitter. Criteria: GeneDx Variant Classification Process June 2021. Collection method: clinical testing. Allele origin: germline. Affected: yes.
Comment: In silico analysis supports that this missense variant does not alter protein structure/function; Has not been previously published as pathogenic or benign to our knowledge

Eurofins Ntd Llc (ga)
Classification: Uncertain significance. Last evaluated: 2016-08-31. Review status: criteria provided, single submitter. Criteria: EGL Classification Definitions 2015. Collection method: clinical testing. Allele origin: germline. Observed: 1 variant allele, 1 heterozygote.

PreventionGenetics, part of Exact Sciences
Classification: Likely benign for KMT2D-related condition. Last evaluated: 2023-08-21. Review status: no assertion criteria provided. Collection method: clinical testing. Allele origin: germline. Not counted in ClinVar's aggregate classification.
Comment: This variant is classified as likely benign based on ACMG/AMP sequence variant interpretation guidelines (Richards et al. 2015 PMID: 25741868, with internal and published modifications).

NM_003482.4(KMT2D):c.6409A>G (p.Thr2137Ala)

Gene: KMT2D (lysine methyltransferase 2D; minus strand). Cytogenetic location: 12q13.12.
Variant type: single nucleotide variant.
Coding change: c.6409A>G on transcript NM_003482.4 (MANE Select); coding-DNA position 6409, A replaced by G.
Protein change: p.Thr2137Ala; replaces threonine 2137 with alanine.
Molecular consequence: missense variant.
Genome position (GRCh38, 1-based): chr12:49,041,361, T>C on the plus strand (A>G on the coding strand, the complement: KMT2D is on the minus strand). VCF-style: chr12-49041361-T-C. GRCh37 (hg19) VCF-style: chr12-49435144-T-C.
Other names: short protein forms T2137A.
Identifiers: ClinVar variation 290420 (VCV000290420.40), dbSNP rs543241831, ClinGen allele CA6547274.
Genomic context (GRCh38, chr12:49,041,361, plus strand): 5'-CAGGCGAGTCAGGGCCAGGCACCGAGCCCGCCGGCGGCTTCAGGAACCCGTCCGCAGAGG[T>C]AGACAAGCCGGCGGGGGTAGTGGGGCTGCCAATGAAAATGGTGGGGGCAGCAGCGGGGGG-3'
Protein context (NP_003473.3, residues 2127-2147): GSPTTPAGLS[Thr2137Ala]SADGFLKPPA